The following is an entry in ClinVar:

ClinVar aggregate classification (germline): Benign. Review status: criteria provided, multiple submitters, no conflicts (2 of 4 stars). 8 submissions from 8 submitters: Benign (5). 3 of the submissions do not count toward it. Last evaluated 2026-01-26.

Conditions:
Miller syndrome (POADS). Also called: GENEE-WIEDEMANN SYNDROME; Genee-Wiedemann acrofacial dysostosis. Identifiers: Orphanet 246, MedGen C0265257, MONDO:0009903, OMIM 263750.

Allele frequency attached by ClinVar (database versions not stated): ESP Exome Variant Server 0.02010; TOPMed 0.02080; gnomAD 0.02206 and 0.02282; 1000 Genomes Project 30x 0.02295; 1000 Genomes Project 0.02336; ExAC 0.02701; gnomAD exomes 0.02742 and 0.02912.
gnomAD v4.1: 45,920 of 1,614,036 alleles (2.8%); highest among the groups gnomAD compares: East Asian, 5%; 798 homozygotes.

Submissions (8):

Labcorp Genetics (formerly Invitae), Labcorp
Classification: Benign. Last evaluated: 2026-01-26. Review status: criteria provided, single submitter. Criteria: Invitae Variant Classification Sherloc (09022015). Collection method: clinical testing. Allele origin: germline.

GeneDx
Classification: Benign. Last evaluated: 2018-10-16. Review status: criteria provided, single submitter. Criteria: GeneDx Variant Classification Process June 2021. Collection method: clinical testing. Allele origin: germline. Affected: yes.

Illumina Laboratory Services, Illumina
Classification: Benign for Miller syndrome. Last evaluated: 2018-01-13. Review status: criteria provided, single submitter. Criteria: ICSL Variant Classification Criteria 13 December 2019. Collection method: clinical testing. Allele origin: germline.
Comment: This variant was observed in the ICSL laboratory as part of a predisposition screen in an ostensibly healthy population. It had not been previously curated by ICSL or reported in the Human Gene Mutation Database (HGMD: prior to June 1st, 2018), and was therefore a candidate for classification through an automated scoring system. Utilizing variant allele frequency, disease prevalence and penetrance estimates, and inheritance mode, an automated score was calculated to assess if this variant is too frequent to cause the disease. Based on the score and internal cut-off values, a variant classified as benign is not then subjected to further curation. The score for this variant resulted in a classification of benign for this disease.

Breakthrough Genomics
Classification: Benign. Review status: criteria provided, single submitter. Criteria: ACMG Guidelines, 2015. Collection method: not provided. Allele origin: germline. Inheritance: Autosomal recessive inheritance. Affected: yes.

PreventionGenetics, part of Exact Sciences
Classification: Benign. Review status: criteria provided, single submitter. Criteria: ACMG Guidelines, 2015. Collection method: clinical testing. Allele origin: germline.

Genetic Services Laboratory, University of Chicago
Classification: Likely benign for AllHighlyPenetrant. Review status: no assertion criteria provided. Collection method: clinical testing. Allele origin: germline. Inheritance: Autosomal dominant inheritance. Not counted in ClinVar's aggregate classification.
Comment: Likely benign based on allele frequency in 1000 Genomes Project or ESP global frequency and its presence in a patient with a rare or unrelated disease phenotype. NOT Sanger confirmed.

Genome Diagnostics Laboratory, University Medical Center Utrecht
Classification: Likely benign. Review status: no assertion criteria provided. Collection method: clinical testing. Allele origin: germline. Affected: yes. Study: VKGL Data-share Consensus. Not counted in ClinVar's aggregate classification.

Laboratory of Diagnostic Genome Analysis, Leiden University Medical Center (LUMC)
Classification: Likely benign. Review status: no assertion criteria provided. Collection method: clinical testing. Allele origin: germline. Affected: yes. Study: VKGL Data-share Consensus. Not counted in ClinVar's aggregate classification.

NM_001361.5(DHODH):c.1022C>T (p.Ala341Val)

Genes: DHODH (dihydroorotate dehydrogenase (quinone); plus strand), LOC126862390 (MED14-independent group 3 enhancer GRCh37_chr16:72057307-72058506; plus strand). Cytogenetic location: 16q22.2.
Variant type: single nucleotide variant.
Coding change: c.1022C>T on transcript NM_001361.5 (MANE Select); coding-DNA position 1022, C replaced by T.
Protein change: p.Ala341Val; replaces alanine 341 with valine.
Molecular consequence: missense variant.
Genome position (GRCh38, 1-based): chr16:72,023,522, C>T. VCF-style: chr16-72023522-C-T. GRCh37 (hg19) VCF-style: chr16-72057421-C-T.
Other names: short protein forms A341V.
Identifiers: ClinVar variation 128894 (VCV000128894.21), dbSNP rs61733129, ClinGen allele CA152567.